The following is an entry in ClinVar:

ClinVar aggregate classification (germline): Conflicting classifications of pathogenicity. Review status: criteria provided, conflicting classifications (1 of 4 stars). 5 submissions from 5 submitters: Pathogenic (2); Uncertain significance (2). 1 of the submissions does not count toward it. Last evaluated 2024-11-02.

Conditions:
Autosomal recessive nonsyndromic hearing loss 3. Also called: NEUROSENSORY NONSYNDROMIC RECESSIVE DEAFNESS 3. Identifiers: Orphanet 90636, MedGen C1838263, MONDO:0010860, OMIM 600316.

Allele frequency attached by ClinVar (database versions not stated): gnomAD exomes below 0.00001; ExAC 0.00001.
gnomAD v4.1: 3 of 1,612,826 alleles (0.00019%); highest among the groups gnomAD compares: Non-Finnish European, 0.00017%; no homozygotes.

Submissions (5):

ENT and Head and Neck Research Center and Department,  The Five Senses Health Institute, Iran University of Medical Sciences
Classification: Pathogenic for Autosomal recessive nonsyndromic hearing loss 3. Last evaluated: 2024-11-02. Review status: criteria provided, single submitter. Criteria: ClinGen HL ACMG Specifications v1. Collection method: clinical testing. Allele origin: germline. Affected: yes.
Comment: PM5: Alternative variant chr17:18142239 G⇒A (Arg1937His) is classified Pathogenic, 2 stars, by ClinVar (confirmed using the germline classifier).Alternative variant chr17:18142238 C⇒G (Arg1937Gly) is classified Pathogenic, 1 star, by ClinVar (confirmed using the germline classifier).2 pathogenic alternative variants identified., PP3: MetaRNN = 0.94 is greater than 0.939 ⇒ strong pathogenic., PM1: UniProt protein MYO15_HUMAN domain 'IQ 2' has 14 missense/in-frame variants (2 pathogenic variants, 12 uncertain variants and no benign), which qualifies as supporting pathogenic, PM2: Variant not found in gnomAD genomes, good gnomAD genomes coverage = 32.1., PP5: PMID: 26445815

Women's Health and Genetics/Laboratory Corporation of America, LabCorp
Classification: Pathogenic for Autosomal recessive nonsyndromic hearing loss 3. Last evaluated: 2024-08-12. Review status: criteria provided, single submitter. Criteria: LabCorp Variant Classification Summary - May 2015. Collection method: clinical testing. Allele origin: germline.
Comment: Variant summary: MYO15A c.5809C>T (p.Arg1937Cys) results in a non-conservative amino acid change in the encoded protein sequence. Five of five in-silico tools predict a damaging effect of the variant on protein function. The variant was absent in 248044 control chromosomes (gnomAD). c.5809C>T has been reported in the literature in multiple individuals affected with Autosomal Recessive Nonsyndromic Hearing Loss 3 (Sloan-Heggen_2015, Rehman_2016). These data indicate that the variant is very likely to be associated with disease. The following publications have been ascertained in the context of this evaluation (PMID: 26445815, 27375115). ClinVar contains an entry for this variant (Variation ID: 242333). Based on the evidence outlined above, the variant was classified as pathogenic.

Greenwood Genetic Center Diagnostic Laboratories, Greenwood Genetic Center
Classification: Uncertain significance. Last evaluated: 2023-03-06. Review status: criteria provided, single submitter. Criteria: ACMG Guidelines, 2015. Collection method: clinical testing. Allele origin: germline. Affected: yes.
Comment: PM1, PM2, PP3

Illumina Laboratory Services, Illumina
Classification: Uncertain significance for Autosomal recessive nonsyndromic hearing loss 3. Last evaluated: 2017-04-28. Review status: criteria provided, single submitter. Criteria: ICSL Variant Classification Criteria 13 December 2019. Collection method: clinical testing. Allele origin: germline.
Comment: This variant was observed as part of a predisposition screen in an ostensibly healthy population. A literature search was performed for the gene, cDNA change, and amino acid change (where applicable). Publications were found based on this search. However, the evidence from the literature, in combination with allele frequency data from public databases where available, was not sufficient to rule this variant in or out of causing disease. Therefore, this variant is classified as a variant of unknown significance.

Center for Statistical Genetics, Columbia University
Classification: Pathogenic for Autosomal recessive nonsyndromic hearing loss 3. Last evaluated: 2016-06-06. Review status: no assertion criteria provided. Collection method: research. Allele origin: germline. Affected: yes. Not counted in ClinVar's aggregate classification.

Literature cited by the submitters: DOI 10.1038/s41598-025-99417-7 (cited by ENT and Head and Neck Research Center and Department,  The Five Senses Health Institute, Iran University of Medical Sciences); PubMed 26445815 (cited by Women's Health and Genetics/Laboratory Corporation of America, LabCorp and Illumina Laboratory Services, Illumina); PubMed 27375115 (cited by Women's Health and Genetics/Laboratory Corporation of America, LabCorp).

NM_016239.4(MYO15A):c.5809C>T (p.Arg1937Cys)

Gene: MYO15A (myosin XVA; plus strand). Cytogenetic location: 17p11.2.
Variant type: single nucleotide variant.
Coding change: c.5809C>T on transcript NM_016239.4 (MANE Select); coding-DNA position 5809, C replaced by T.
Protein change: p.Arg1937Cys; replaces arginine 1937 with cysteine.
Molecular consequence: missense variant.
Genome position (GRCh38, 1-based): chr17:18,142,238, C>T. VCF-style: chr17-18142238-C-T. GRCh37 (hg19) VCF-style: chr17-18045552-C-T.
Other names: short protein forms R1937C.
Identifiers: ClinVar variation 242333 (VCV000242333.8), dbSNP rs749465098, ClinGen allele CA8424397.